The following is an entry in ClinVar:

ClinVar aggregate classification (germline): Uncertain significance (1 of 4 stars; one submission).

gnomAD v4.1: 62 of 1,602,112 alleles (0.0039%); highest among the groups gnomAD compares: East Asian, 0.018%; no homozygotes.

Submission:

Ambry Genetics
Classification: Uncertain significance. Last evaluated: 2024-10-15. Review status: criteria provided, single submitter. Criteria: Ambry Variant Classification Scheme 2023. Collection method: clinical testing. Allele origin: germline.
Comment: The p.P1046L variant (also known as c.3137C>T), located in coding exon 12 of the WNK2 gene, results from a C to T substitution at nucleotide position 3137. The proline at codon 1046 is replaced by leucine, an amino acid with similar properties. This amino acid position is conserved. In addition, this alteration is predicted to be tolerated by in silico analysis. Based on the available evidence, the clinical significance of this variant remains unclear.

NM_006648.4(WNK2):c.3137C>T (p.Pro1046Leu)

Gene: WNK2 (WNK lysine deficient protein kinase 2; plus strand). Cytogenetic location: 9q22.31.
Variant type: single nucleotide variant.
Coding change: c.3137C>T on transcript NM_006648.4 (MANE Select); coding-DNA position 3137, C replaced by T.
Protein change: p.Pro1046Leu; replaces proline 1046 with leucine.
Molecular consequence: missense variant.
Genome position (GRCh38, 1-based): chr9:93,261,884, C>T. VCF-style: chr9-93261884-C-T. GRCh37 (hg19) VCF-style: chr9-96024166-C-T.
Other names: c.3137C>T, p.Pro1046Leu (NM_001282394.3); short protein forms P1046L.
Identifiers: ClinVar variation 3470105 (VCV003470105.1).